The following is an entry in ClinVar:

NM_001759.4(CCND2):c.702G>A (p.Lys234=)

Gene: CCND2 (cyclin D2; plus strand). Cytogenetic location: 12p13.32.
Variant type: single nucleotide variant.
Coding change: c.702G>A on transcript NM_001759.4 (MANE Select); coding-DNA position 702, G replaced by A.
Protein change: p.Lys234=; no amino-acid change (lysine 234 retained).
Molecular consequence: synonymous variant.
Genome position (GRCh38, 1-based): chr12:4,288,972, G>A. VCF-style: chr12-4288972-G-A. GRCh37 (hg19) VCF-style: chr12-4398138-G-A.
Identifiers: ClinVar variation 3054551 (VCV003054551.4), dbSNP rs139239250, ClinGen allele CA6395293.

ClinVar aggregate classification (germline): Likely benign. Review status: criteria provided, single submitter (1 of 4 stars). 2 submissions from 2 submitters: Likely benign (1). 1 of the submissions does not count toward it. Last evaluated 2024-11-29.

Conditions:
CCND2-related disorder. Also called: CCND2-related condition.

Allele frequency attached by ClinVar (database versions not stated): ExAC 0.00005; TOPMed 0.00013; gnomAD 0.00014; gnomAD exomes 0.00024; ESP Exome Variant Server 0.00038.
gnomAD v4.1: 357 of 1,613,136 alleles (0.022%); highest among the groups gnomAD compares: Non-Finnish European, 0.03%; no homozygotes.

Submissions (2):

Labcorp Genetics (formerly Invitae), Labcorp
Classification: Likely benign. Last evaluated: 2024-11-29. Review status: criteria provided, single submitter. Criteria: Invitae Variant Classification Sherloc (09022015). Collection method: clinical testing. Allele origin: germline.

PreventionGenetics, part of Exact Sciences
Classification: Likely benign for CCND2-related condition. Last evaluated: 2021-05-13. Review status: no assertion criteria provided. Collection method: clinical testing. Allele origin: germline. Not counted in ClinVar's aggregate classification.
Comment: This variant is classified as likely benign based on ACMG/AMP sequence variant interpretation guidelines (Richards et al. 2015 PMID: 25741868, with internal and published modifications).